The following is an entry in ClinVar:

NM_020919.4(ALS2):c.3047C>G (p.Pro1016Arg)

Gene: ALS2 (alsin Rho guanine nucleotide exchange factor ALS2; minus strand). Cytogenetic location: 2q33.1.
Variant type: single nucleotide variant.
Coding change: c.3047C>G on transcript NM_020919.4 (MANE Select); coding-DNA position 3047, C replaced by G.
Protein change: p.Pro1016Arg; replaces proline 1016 with arginine.
Molecular consequence: missense variant.
Genome position (GRCh38, 1-based): chr2:201,726,799, G>C on the plus strand (C>G on the coding strand, the complement: ALS2 is on the minus strand). VCF-style: chr2-201726799-G-C. GRCh37 (hg19) VCF-style: chr2-202591522-G-C.
Other names: c.3047C>G (NM_020919.3); short protein forms P1016R.
Identifiers: ClinVar variation 1372313 (VCV001372313.9), dbSNP rs776807292, ClinGen allele CA2057992.

ClinVar aggregate classification (germline): Uncertain significance. Review status: criteria provided, multiple submitters, no conflicts (2 of 4 stars). 2 submissions from 2 submitters: Uncertain significance (2). Last evaluated 2025-09-02.

Conditions:
Inborn genetic diseases. Identifiers: MedGen C0950123, MeSH D030342.
Infantile-onset ascending hereditary spastic paralysis (IAHSP). Also called: Infantile-Onset Ascending Hereditary Spastic Paralysis (IAHSP); Autosomal Recessive Juvenile Amyotrophic Lateral Sclerosis. Identifiers: Orphanet 293168, MedGen C2931441, MONDO:0011797, OMIM 607225. Disease mechanism: loss of function.

Allele frequency attached by ClinVar (database versions not stated): TOPMed 0.00001; gnomAD exomes 0.00003 and 0.00005; ExAC 0.00011.
gnomAD v4.1: 40 of 1,614,108 alleles (0.0025%); highest among the groups gnomAD compares: Non-Finnish European, 0.0031%; no homozygotes.

Submissions (2):

Labcorp Genetics (formerly Invitae), Labcorp
Classification: Uncertain significance for Infantile-onset ascending hereditary spastic paralysis. Last evaluated: 2025-09-02. Review status: criteria provided, single submitter. Criteria: Invitae Variant Classification Sherloc (09022015). Collection method: clinical testing. Allele origin: germline.
Comment: This sequence change replaces proline, which is neutral and non-polar, with arginine, which is basic and polar, at codon 1016 of the ALS2 protein (p.Pro1016Arg). This variant is present in population databases (rs776807292, gnomAD 0.01%). This variant has not been reported in the literature in individuals affected with ALS2-related conditions. ClinVar contains an entry for this variant (Variation ID: 1372313). An algorithm developed to predict the effect of missense changes on protein structure and function (PolyPhen-2) suggests that this variant is likely to be tolerated. In summary, the available evidence is currently insufficient to determine the role of this variant in disease. Therefore, it has been classified as a Variant of Uncertain Significance.

Ambry Genetics
Classification: Uncertain significance for Inborn genetic diseases. Last evaluated: 2025-04-18. Review status: criteria provided, single submitter. Criteria: Ambry Variant Classification Scheme 2023. Collection method: clinical testing. Allele origin: germline.